The following is an entry in ClinVar:

ClinVar aggregate classification (germline): Uncertain significance (1 of 4 stars; one submission).

Submission:

GeneDx
Classification: Uncertain significance. Last evaluated: 2025-02-26. Review status: criteria provided, single submitter. Criteria: GeneDx Variant Classification Process June 2021. Collection method: clinical testing. Allele origin: germline. Affected: yes.
Comment: Not observed at significant frequency in large population cohorts (gnomAD); In silico analysis indicates that this missense variant does not alter protein structure/function; Has not been previously published as pathogenic or benign to our knowledge

NM_015001.3(SPEN):c.8393C>G (p.Ala2798Gly)

Gene: SPEN (spen family transcriptional repressor; plus strand). Cytogenetic location: 1p36.13.
Variant type: single nucleotide variant.
Coding change: c.8393C>G on transcript NM_015001.3 (MANE Select); coding-DNA position 8393, C replaced by G.
Protein change: p.Ala2798Gly; replaces alanine 2798 with glycine.
Molecular consequence: missense variant.
Genome position (GRCh38, 1-based): chr1:15,934,633, C>G. VCF-style: chr1-15934633-C-G. GRCh37 (hg19) VCF-style: chr1-16261128-C-G.
Other names: short protein forms A2798G.
Identifiers: ClinVar variation 4077251 (VCV004077251.1).